The following is an entry in ClinVar:

ClinVar aggregate classification (germline): Uncertain significance. Review status: reviewed by expert panel (3 of 4 stars). 7 submissions from 7 submitters: Uncertain significance (1). 6 of the submissions do not count toward it. Last evaluated 2025-08-01.

Conditions:
RYR1-related disorder. Also called: RYR1-related condition; RYR1-related disorders. Identifiers: MedGen CN239331.
Malignant hyperthermia, susceptibility to, 1 (MHS1). Also called: Malignant hyperthermia suceptibility 1; Anesthesia related hyperthermia; Malignant hyperpyrexia; Fulminating hyperpyrexia; Pharmacogenic myopathy; RYR1-Related Malignant Hyperthermia Susceptibility. Identifiers: Orphanet 423, MedGen C2930980, MONDO:0007783, OMIM 145600.

Allele frequency attached by ClinVar (database versions not stated): gnomAD exomes 0.00001.
gnomAD v4.1: 6 of 1,614,056 alleles (0.00037%); highest among the groups gnomAD compares: Non-Finnish European, 0.00042%; no homozygotes.

Submissions (7):

ClinGen Malignant Hyperthermia Susceptibility Variant Curation Expert Panel, ClinGen
Classification: Uncertain significance for Malignant hyperthermia, susceptibility to, 1. Last evaluated: 2025-08-01. Review status: reviewed by expert panel. Criteria: ClinGen MHS ACMG Specifications V2. Collection method: curation. Allele origin: germline. Inheritance: Autosomal dominant inheritance. Study: ClinGen.
Comment: This pathogenicity assessment is relevant only for malignant hyperthermia susceptibility (MHS) inherited in an autosomal dominant pattern. Variants in RYR1 can also cause other myopathies inherited in an autosomal dominant pattern or in an autosomal recessive pattern. Some of these disorders may predispose individuals to malignant hyperthermia. RYR1 variants may also contribute to a malignant hyperthermia reaction in combination with other genetic and non-genetic factors and the clinician needs to consider such factors in making management decisions. This sequence variant predicts a substitution of arginine with glutamine at codon 367 of the RYR1 protein, p.(Arg367Gln). The maximum allele frequency for this variant among the six major gnomAD populations is NFE: 0.000009, a frequency consistent with pathogenicity for MHS. This variant has been reported in two unrelated individuals who have a personal or family history of a malignant hyperthermia reaction, two of these individuals had a positive in vitro contracture test (IVCT) or caffeine halothane contracture test (CHCT) result (if the proband was unavailable for testing, a positive diagnostic test result in a mutation-positive relative was counted), PS4_Moderate (PMID:21965348, PMID:24433488). No functional studies were identified for this variant. This variant resides in a region of RYR1 considered to be a hotspot for pathogenic variants that contribute to MHS, PM1 (PMID: 21118704). A REVEL score of 0.651 supports neither a pathogenic nor a benign status for this variant. This variant has been classified as a Variant of Unknown Significance. Criteria implemented: PS4_Moderate, PM1.

CeGaT Center for Human Genetics Tuebingen
Classification: Uncertain significance. Last evaluated: 2025-09-01. Review status: criteria provided, single submitter. Criteria: CeGaT Center For Human Genetics Tuebingen Variant Classification Criteria Version 2. Collection method: clinical testing. Allele origin: germline. Affected: yes. Observed: 3 variant alleles. Not counted in ClinVar's aggregate classification.
Comment: RYR1: PM1, PS4:Moderate, PM2:Supporting

Labcorp Genetics (formerly Invitae), Labcorp
Classification: Likely pathogenic for RYR1-related disorder. Last evaluated: 2023-12-08. Review status: criteria provided, single submitter. Criteria: Invitae Variant Classification Sherloc (09022015). Collection method: clinical testing. Allele origin: germline. Not counted in ClinVar's aggregate classification.
Comment: This sequence change replaces arginine, which is basic and polar, with glutamine, which is neutral and polar, at codon 367 of the RYR1 protein (p.Arg367Gln). This variant is present in population databases (rs113332073, gnomAD 0.01%). This missense change has been observed in individuals with malignant hyperthermia susceptibility (PMID: 16835904, 21965348). ClinVar contains an entry for this variant (Variation ID: 133003). Advanced modeling of protein sequence and biophysical properties (such as structural, functional, and spatial information, amino acid conservation, physicochemical variation, residue mobility, and thermodynamic stability) has been performed at Invitae for this missense variant, however the output from this modeling did not meet the statistical confidence thresholds required to predict the impact of this variant on RYR1 protein function. This variant disrupts the p.Arg367 amino acid residue in RYR1. Other variant(s) that disrupt this residue have been observed in individuals with RYR1-related conditions (PMID: 16917943), which suggests that this may be a clinically significant amino acid residue. In summary, the currently available evidence indicates that the variant is pathogenic, but additional data are needed to prove that conclusively. Therefore, this variant has been classified as Likely Pathogenic.

Women's Health and Genetics/Laboratory Corporation of America, LabCorp
Classification: Uncertain significance. Last evaluated: 2023-09-07. Review status: criteria provided, single submitter. Criteria: LabCorp Variant Classification Summary - May 2015. Collection method: clinical testing. Allele origin: germline. Not counted in ClinVar's aggregate classification.
Comment: Variant summary: RYR1 c.1100G>A (p.Arg367Gln) results in a conservative amino acid change located in the MIR domain (IPR016093) of the encoded protein sequence. Three of five in-silico tools predict a damaging effect of the variant on protein function. The variant allele was found at a frequency of 8e-06 in 251114 control chromosomes (gnomAD). The available data on variant occurrences in the general population are insufficient to allow any conclusion about variant significance. c.1100G>A has been reported in the literature in individuals affected with Malignant Hyperthermia Susceptibility with a positive in vitro contracture test (IVCT) or caffeine halothane contracture test (CHCT) result (examples: Galli_2006, Broman_2011 and Klingler_2014). However, available data is not sufficient to generate unequivocal conclusions about association of the variant with Malignant Hyperthermia Susceptibility. To our knowledge, no experimental evidence demonstrating an impact on protein function has been reported. The following publications have been ascertained in the context of this evaluation (PMID: 21965348, 16835904, 24433488). ClinGen Malignant Hyperthermia Susceptibility Variant Curation Expert Panel have cited clinical-significance assessments for this variant to ClinVar after 2014 and classified the variant asUncertain significance, and one other submitter classified the variant as likely pathogenic. Based on the evidence outlined above, the variant was classified as uncertain significance.

All of Us Research Program, National Institutes of Health
Classification: Uncertain significance for Malignant hyperthermia, susceptibility to, 1. Last evaluated: 2023-04-10. Review status: criteria provided, single submitter. Criteria: ACMG Guidelines, 2015. Collection method: clinical testing. Allele origin: germline. Inheritance: Autosomal dominant inheritance. Observed: 1 variant allele, 1 heterozygote. Not counted in ClinVar's aggregate classification.
Comment: This missense variant replaces arginine with glutamine at codon 367 of the RYR1 protein. Computational prediction is inconclusive regarding the impact of this variant on protein structure and function (internally defined REVEL score threshold 0.5 < inconclusive < 0.7, PMID: 27666373). To our knowledge, functional studies have not been reported for this variant. This variant has been reported in at least two individuals affected with malignant hyperthermia susceptibility (PMID: 21965348, 24433488). This variant has been identified in 2/251114 chromosomes in the general population by the Genome Aggregation Database (gnomAD). The available evidence is insufficient to determine the role of this variant in disease conclusively. Therefore, this variant is classified as a Variant of Uncertain Significance.

This study involves interpretation of variants in research participants for the purpose of population health screening. Participant phenotype was not available at the time of variant classification. Additional details can be found in publication PMID: 35346344, PMCID: PMC8962531

Blueprint Genetics
Classification: Likely pathogenic for RYR1-related disorders. Last evaluated: 2020-02-24. Review status: criteria provided, single submitter. Criteria: ACMG Guidelines, 2015. Collection method: clinical testing. Allele origin: germline. Affected: yes. Observed: 1 variant allele. Not counted in ClinVar's aggregate classification.

RYR1 database
No classification provided. Review status: no classification provided. Collection method: not provided. Allele origin: unknown. Not counted in ClinVar's aggregate classification.

Literature cited by the submitters: PubMed 16835904 (cited by Labcorp Genetics (formerly Invitae), Labcorp and Women's Health and Genetics/Laboratory Corporation of America, LabCorp); PubMed 21965348 (cited by 3 submitters); PubMed 16917943 (cited by Labcorp Genetics (formerly Invitae), Labcorp); PubMed 24433488 (cited by Women's Health and Genetics/Laboratory Corporation of America, LabCorp and All of Us Research Program, National Institutes of Health).

NM_000540.3(RYR1):c.1100G>A (p.Arg367Gln)

Gene: RYR1 (ryanodine receptor 1; plus strand). Cytogenetic location: 19q13.2.
Variant type: single nucleotide variant.
Coding change: c.1100G>A on transcript NM_000540.3 (MANE Select); coding-DNA position 1100, G replaced by A.
Protein change: p.Arg367Gln; replaces arginine 367 with glutamine.
Molecular consequence: missense variant.
Genome position (GRCh38, 1-based): chr19:38,448,791, G>A. VCF-style: chr19-38448791-G-A. GRCh37 (hg19) VCF-style: chr19-38939431-G-A.
Other names: NM_000540.2(RYR1):c.1100G>A; p.Arg367Gln; c.1100G>A, p.Arg367Gln (NM_001042723.2); short protein forms R367Q.
Identifiers: ClinVar variation 133003 (VCV000133003.26), dbSNP rs113332073, ClinGen allele CA023877.